The following is an entry in ClinVar:

ClinVar aggregate classification (germline): Uncertain significance (1 of 4 stars; one submission).

Allele frequency attached by ClinVar (database versions not stated): gnomAD 0.00001; TOPMed 0.00001.
gnomAD v4.1: 9 of 1,613,390 alleles (0.00056%); highest among the groups gnomAD compares: African/African-American, 0.0013%; no homozygotes.

Submission:

Labcorp Genetics (formerly Invitae), Labcorp
Classification: Uncertain significance. Last evaluated: 2025-10-27. Review status: criteria provided, single submitter. Criteria: Invitae Variant Classification Sherloc (09022015). Collection method: clinical testing. Allele origin: germline.
Comment: This sequence change replaces alanine, which is neutral and non-polar, with valine, which is neutral and non-polar, at codon 1099 of the DIP2C protein (p.Ala1099Val). This variant is present in population databases (no rsID available, gnomAD 0.0008%). This variant has not been reported in the literature in individuals affected with DIP2C-related conditions. ClinVar contains an entry for this variant (Variation ID: 1424605). An algorithm developed to predict the effect of missense changes on protein structure and function (PolyPhen-2) suggests that this variant is likely to be disruptive. In summary, the available evidence is currently insufficient to determine the role of this variant in disease. Therefore, it has been classified as a Variant of Uncertain Significance.

NM_014974.3(DIP2C):c.3296C>T (p.Ala1099Val)

Genes: DIP2C (DIP2 acetate--CoA ligase C (putative); minus strand), LOC126860805 (BRD4-independent group 4 enhancer GRCh37_chr10:390524-391723; plus strand). Cytogenetic location: 10p15.3.
Variant type: single nucleotide variant.
Coding change: c.3296C>T on transcript NM_014974.3 (MANE Select); coding-DNA position 3296, C replaced by T.
Protein change: p.Ala1099Val; replaces alanine 1099 with valine.
Molecular consequence: missense variant.
Genome position (GRCh38, 1-based): chr10:345,046, G>A on the plus strand (C>T on the coding strand, the complement: DIP2C is on the minus strand). VCF-style: chr10-345046-G-A. GRCh37 (hg19) VCF-style: chr10-390986-G-A.
Other names: short protein forms A1099V.
Identifiers: ClinVar variation 1424605 (VCV001424605.6), dbSNP rs1356539941, ClinGen allele CA375830235.